The following is an entry in ClinVar:

NM_000352.6(ABCC8):c.2341G>A (p.Ala781Thr)

Genes: ABCC8 (ATP binding cassette subfamily C member 8; minus strand), LOC110121471 (VISTA enhancer hs1977; plus strand). Cytogenetic location: 11p15.1.
Variant type: single nucleotide variant.
Coding change: c.2341G>A on transcript NM_000352.6 (MANE Select); coding-DNA position 2341, G replaced by A.
Protein change: p.Ala781Thr; replaces alanine 781 with threonine.
Molecular consequence: missense variant. On other transcripts: non-coding transcript variant (1).
Genome position (GRCh38, 1-based): chr11:17,414,561, C>T on the plus strand (G>A on the coding strand, the complement: ABCC8 is on the minus strand). VCF-style: chr11-17414561-C-T. GRCh37 (hg19) VCF-style: chr11-17436108-C-T.
Other names: c.2344G>A, p.Ala782Thr (NM_001287174.3); c.2407G>A, p.Ala803Thr (NM_001351295.2); c.2341G>A, p.Ala781Thr (NM_001351296.2); c.2338G>A, p.Ala780Thr (NM_001351297.2); short protein forms A780T, A781T, A782T, A803T.
Identifiers: ClinVar variation 5020214 (VCV005020214.1).

ClinVar aggregate classification (germline): Uncertain significance (1 of 4 stars; one submission).

Submission:

Dasa
Classification: Uncertain significance. Last evaluated: 2026-07-10. Review status: criteria provided, single submitter. Criteria: DASA Assertion Criteria. Collection method: clinical testing. Allele origin: germline.
Comment: NM_000352.6(ABCC8):c.2341G>A (p.Ala781Thr) is a missense variant that results in the substitution of alanine with threonine. This variant is rare in population databases. The currently available literature and clinical evidence are not sufficient to establish a definitive association between this variant and the reported condition. Therefore, this variant is classified as a variant of uncertain significance.